The following is an entry in ClinVar:

ClinVar aggregate classification (germline): Uncertain significance (1 of 4 stars; one submission).

Submission:

GeneDx
Classification: Uncertain significance. Last evaluated: 2019-04-16. Review status: criteria provided, single submitter. Criteria: GeneDx Variant Classification Process June 2021. Collection method: clinical testing. Allele origin: germline. Affected: yes.
Comment: Not observed in large population cohorts (Lek et al., 2016); In silico analysis, which includes protein predictors and evolutionary conservation, supports a deleterious effect; Has not been previously published as pathogenic or benign to our knowledge

NM_025233.7(COASY):c.1272G>T (p.Lys424Asn)

Gene: COASY (Coenzyme A synthase; plus strand). Cytogenetic location: 17q21.2.
Variant type: single nucleotide variant.
Coding change: c.1272G>T on transcript NM_025233.7 (MANE Select); coding-DNA position 1272, G replaced by T.
Protein change: p.Lys424Asn; replaces lysine 424 with asparagine.
Molecular consequence: missense variant.
Genome position (GRCh38, 1-based): chr17:42,565,017, G>T. VCF-style: chr17-42565017-G-T. GRCh37 (hg19) VCF-style: chr17-40717035-G-T.
Other names: c.1272G>T, p.Lys424Asn (NM_001042529.3); c.1359G>T, p.Lys453Asn (NM_001042532.4); short protein forms K424N, K453N.
Identifiers: ClinVar variation 1305238 (VCV001305238.2), dbSNP rs2092995076, ClinGen allele CA399598635.